The following is an entry in ClinVar:

ClinVar aggregate classification (germline): Uncertain significance (1 of 4 stars; one submission).

Submission:

Labcorp Genetics (formerly Invitae), Labcorp
Classification: Uncertain significance. Last evaluated: 2023-10-07. Review status: criteria provided, single submitter. Criteria: Invitae Variant Classification Sherloc (09022015). Collection method: clinical testing. Allele origin: germline.
Comment: This sequence change replaces aspartic acid, which is acidic and polar, with histidine, which is basic and polar, at codon 152 of the TUBGCP6 protein (p.Asp152His). This variant is not present in population databases (gnomAD no frequency). This variant has not been reported in the literature in individuals affected with TUBGCP6-related conditions. Algorithms developed to predict the effect of missense changes on protein structure and function output the following: SIFT: "Not Available"; PolyPhen-2: "Possibly Damaging"; Align-GVGD: "Not Available". The histidine amino acid residue is found in multiple mammalian species, which suggests that this missense change does not adversely affect protein function. In summary, the available evidence is currently insufficient to determine the role of this variant in disease. Therefore, it has been classified as a Variant of Uncertain Significance.

NM_020461.4(TUBGCP6):c.454G>C (p.Asp152His)

Gene: TUBGCP6 (tubulin gamma complex component 6; minus strand). Cytogenetic location: 22q13.33.
Variant type: single nucleotide variant.
Coding change: c.454G>C on transcript NM_020461.4 (MANE Select); coding-DNA position 454, G replaced by C.
Protein change: p.Asp152His; replaces aspartic acid 152 with histidine.
Molecular consequence: missense variant.
Genome position (GRCh38, 1-based): chr22:50,244,006, C>G on the plus strand (G>C on the coding strand, the complement: TUBGCP6 is on the minus strand). VCF-style: chr22-50244006-C-G. GRCh37 (hg19) VCF-style: chr22-50682435-C-G.
Other names: short protein forms D152H.
Identifiers: ClinVar variation 2762557 (VCV002762557.3), dbSNP rs2519212085, ClinGen allele CA412115315.
Genomic context (GRCh38, chr22:50,244,006, plus strand): 5'-GACACAAACACTCTTCTCTGGAGATCAGAGACTGAACGTCCATCTCAAACACACTCAGGT[C>G]GTCGCAATCATAGCCGCTGTACGGAACGTTTCTCCCCACATGCTTGTTGTTAAGGAAGTA-3'
Protein context (NP_065194.3, residues 142-162): NVPYSGYDCD[Asp152His]LSVFEMDVQS